The following is an entry in ClinVar:

ClinVar aggregate classification (germline): Likely pathogenic (1 of 4 stars; one submission).

Conditions:
Nemaline myopathy 2 (NEM2). Also called: Nemaline myopathy 2, autosomal recessive. Identifiers: MedGen C1850569, MONDO:0009725, OMIM 256030.

Submission:

Myriad Genetics, Inc.
Classification: Likely pathogenic for Nemaline myopathy 2. Last evaluated: 2021-12-17. Review status: criteria provided, single submitter. Criteria: Myriad Women's Health Autosomal Recessive and X-Linked Classification Criteria (2021). Collection method: clinical testing. Allele origin: unknown.
Comment: NM_001271208.1(NEB):c.7601_7602ins14(I2536Sfs*44) is expected to be pathogenic in the context of NEB-related nemaline myopathy. This variant is predicted to lead to an abnormal or absent protein product due to the creation of a premature termination codon in NEB, a gene where loss-of-function variants are known to be pathogenic. Please note: this variant was assessed in the context of healthy population screening.

NM_001164508.2(NEB):c.7601_7602insCCCCAGCTCTCTCC (p.Ile2536fs)

Gene: NEB (nebulin; minus strand). Cytogenetic location: 2q23.3.
Variant type: Insertion.
Coding change: c.7601_7602insCCCCAGCTCTCTCC on transcript NM_001164508.2 (MANE Select); coding-DNA positions 7601 to 7602, CCCCAGCTCTCTCC inserted.
Protein change: p.Ile2536fs; shifts the reading frame from isoleucine 2536.
Molecular consequence: frameshift variant.
Genome position: GRCh38 VCF-style: chr2-151644510-T-TGGAGAGAGCTGGGG. GRCh37 (hg19) VCF-style: chr2-152501024-T-TGGAGAGAGCTGGGG.
Other names: c.7601_7602insCCCCAGCTCTCTCC, p.Ile2536fs (NM_001164507.2, NM_001271208.2, NM_004543.5); short protein forms I2536fs.
Identifiers: ClinVar variation 1726428 (VCV001726428.2), dbSNP rs2552247675, ClinGen allele CA2580064063.